The following is an entry in ClinVar:

NM_004415.4(DSP):c.7628T>A (p.Phe2543Tyr)

Gene: DSP (desmoplakin; plus strand). Cytogenetic location: 6p24.3.
Variant type: single nucleotide variant.
Coding change: c.7628T>A on transcript NM_004415.4 (MANE Select); coding-DNA position 7628, T replaced by A.
Protein change: p.Phe2543Tyr; replaces phenylalanine 2543 with tyrosine.
Molecular consequence: missense variant.
Genome position (GRCh38, 1-based): chr6:7,584,890, T>A. VCF-style: chr6-7584890-T-A. GRCh37 (hg19) VCF-style: chr6-7585123-T-A.
Other names: c.5831T>A, p.Phe1944Tyr (NM_001008844.3); c.6299T>A, p.Phe2100Tyr (NM_001319034.2); short protein forms F2543Y, F1944Y, F2100Y.
Identifiers: ClinVar variation 2775367 (VCV002775367.2), dbSNP rs1243456706, ClinGen allele CA362693428.
Genomic context (GRCh38, chr6:7,584,890, plus strand): 5'-AGACAGGCAGTCAGTATGATATTCAAGATGCTATTGACAAGGGCCTTGTTGACAGGAAGT[T>A]CTTTGATCAGTACCGATCCGGCAGCCTCAGCCTCACTCAATTTGCTGACATGATCTCCTT-3'
Protein context (NP_004406.2, residues 2533-2553): AIDKGLVDRK[Phe2543Tyr]FDQYRSGSLS

ClinVar aggregate classification (germline): Uncertain significance (1 of 4 stars; one submission).

Conditions:
Cardiomyopathy (CMYO). Also called: Cardiomyopathies. Identifiers: Orphanet 167848, MedGen C0878544, MONDO:0004994, HP:0001638. Inheritance: Various modes of inheritance.

Allele frequency attached by ClinVar (database versions not stated): TOPMed 0.00001; gnomAD 0.00002.
gnomAD v4.1: 5 of 1,614,038 alleles (0.00031%); highest among the groups gnomAD compares: Non-Finnish European, 0.00042%; no homozygotes.

Submission:

Color Diagnostics, LLC DBA Color Health
Classification: Uncertain significance for Cardiomyopathy. Last evaluated: 2024-03-07. Review status: criteria provided, single submitter. Criteria: ACMG Guidelines, 2015. Collection method: clinical testing. Allele origin: germline.
Comment: This missense variant replaces phenylalanine with tyrosine at codon 2543 of the DSP protein. Computational prediction suggests that this variant may not impact protein structure and function (internally defined REVEL score threshold <= 0.5, PMID: 27666373). To our knowledge, functional studies have not been reported for this variant. This variant has not been reported in individuals affected with cardiovascular disorders in the literature. This variant has been identified in 1/31396 chromosomes in the general population by the Genome Aggregation Database (gnomAD). The available evidence is insufficient to determine the role of this variant in disease conclusively. Therefore, this variant is classified as a Variant of Uncertain Significance.